The following is an entry in ClinVar:

ClinVar aggregate classification (germline): Uncertain significance (1 of 4 stars; one submission).

Submission:

Labcorp Genetics (formerly Invitae), Labcorp
Classification: Uncertain significance. Last evaluated: 2023-11-27. Review status: criteria provided, single submitter. Criteria: Invitae Variant Classification Sherloc (09022015). Collection method: clinical testing. Allele origin: germline.
Comment: This sequence change replaces lysine, which is basic and polar, with methionine, which is neutral and non-polar, at codon 11 of the ERCC3 protein (p.Lys11Met). This variant is not present in population databases (gnomAD no frequency). This variant has not been reported in the literature in individuals affected with ERCC3-related conditions. ClinVar contains an entry for this variant (Variation ID: 847502). Experimental studies and prediction algorithms are not available or were not evaluated, and the functional significance of this variant is currently unknown. In summary, the available evidence is currently insufficient to determine the role of this variant in disease. Therefore, it has been classified as a Variant of Uncertain Significance.

NM_000122.2(ERCC3):c.32A>T (p.Lys11Met)

Gene: ERCC3 (ERCC excision repair 3, TFIIH core complex helicase subunit; minus strand). Cytogenetic location: 2q14.3.
Variant type: single nucleotide variant.
Coding change: c.32A>T on transcript NM_000122.2 (MANE Select); coding-DNA position 32, A replaced by T.
Protein change: p.Lys11Met; replaces lysine 11 with methionine.
Molecular consequence: missense variant. On other transcripts: 5 prime UTR variant (2).
Genome position (GRCh38, 1-based): chr2:127,293,715, T>A on the plus strand (A>T on the coding strand, the complement: ERCC3 is on the minus strand). VCF-style: chr2-127293715-T-A. GRCh37 (hg19) VCF-style: chr2-128051291-T-A.
Other names: c.-161A>T (NM_001303416.2, NM_001303418.2); short protein forms K11M.
Identifiers: ClinVar variation 847502 (VCV000847502.9), dbSNP rs199934696, ClinGen allele CA348392426.